The following is an entry in ClinVar:

ClinVar aggregate classification (germline): Uncertain significance (0 of 4 stars; one submission).

Conditions:
NCOA1-related disorder. Also called: NCOA1-related condition.

gnomAD v4.1: 8 of 1,614,208 alleles (0.0005%); highest among the groups gnomAD compares: East Asian, 0.018%; no homozygotes.

Submission:

PreventionGenetics, part of Exact Sciences
Classification: Uncertain significance for NCOA1-related condition. Last evaluated: 2023-12-05. Review status: no assertion criteria provided. Collection method: clinical testing. Allele origin: germline.
Comment: The NCOA1 c.1344G>T variant is predicted to result in the amino acid substitution p.Gln448His. To our knowledge, this variant has not been reported in the literature or in a large population database, indicating this variant is rare. At this time, the clinical significance of this variant is uncertain due to the absence of conclusive functional and genetic evidence.

NM_003743.5(NCOA1):c.1344G>T (p.Gln448His)

Gene: NCOA1 (nuclear receptor coactivator 1; plus strand). Cytogenetic location: 2p23.3.
Variant type: single nucleotide variant.
Coding change: c.1344G>T on transcript NM_003743.5 (MANE Select); coding-DNA position 1344, G replaced by T.
Protein change: p.Gln448His; replaces glutamine 448 with histidine.
Molecular consequence: missense variant.
Genome position (GRCh38, 1-based): chr2:24,706,814, G>T. VCF-style: chr2-24706814-G-T. GRCh37 (hg19) VCF-style: chr2-24929683-G-T.
Other names: c.1344G>T, p.Gln448His (NM_001362950.1, NM_001362952.1, NM_001362954.1 and 3 more transcripts); short protein forms Q448H.
Identifiers: ClinVar variation 3348723 (VCV003348723.1).